The following is an entry in ClinVar:

ClinVar aggregate classification (germline): Uncertain significance. Review status: criteria provided, multiple submitters, no conflicts (2 of 4 stars). 7 submissions from 7 submitters: Uncertain significance (5). 2 of the submissions do not count toward it. Last evaluated 2025-12-03.

Conditions:
Dilated cardiomyopathy 1G (CMD1G). Identifiers: Orphanet 154, MedGen C1858763, MONDO:0011400, OMIM 604145.
Autosomal recessive limb-girdle muscular dystrophy type 2J (LGMDR10). Also called: Limb-girdle muscular dystrophy, type 2J; MUSCULAR DYSTROPHY, LIMB-GIRDLE, AUTOSOMAL RECESSIVE 10. Identifiers: Orphanet 140922, MedGen C1837342, MONDO:0012127, OMIM 608807.
Cardiovascular phenotype. Identifiers: MedGen CN230736.

Allele frequency attached by ClinVar (database versions not stated): ExAC 0.00003; gnomAD exomes 0.00005 and 0.00003; TOPMed 0.00005; gnomAD 0.00005.
gnomAD v4.1: 81 of 1,608,732 alleles (0.005%); highest among the groups gnomAD compares: Non-Finnish European, 0.0066%; no homozygotes.

Submissions (7):

GeneDx
Classification: Uncertain significance. Last evaluated: 2025-12-03. Review status: criteria provided, single submitter. Criteria: GeneDx Variant Classification Process June 2021. Collection method: clinical testing. Allele origin: germline. Affected: yes.
Comment: Identified in a patient with cardiomyopathy and in a patient with possible distal myopathy (PMID: 25783436, 30847666); In silico analysis suggests that this variant does not alter splicing; This variant is associated with the following publications: (PMID: 25783436, 30847666, 23975875)

Revvity Omics, Revvity
Classification: Uncertain significance. Last evaluated: 2022-03-29. Review status: criteria provided, single submitter. Criteria: ACMG Guidelines, 2015. Collection method: clinical testing. Allele origin: germline.

Clinical Genomics Laboratory, Stanford Medicine
Classification: Uncertain significance for Dilated cardiomyopathy 1G. Last evaluated: 2021-05-21. Review status: criteria provided, single submitter. Criteria: ACMG Guidelines, 2015. Collection method: clinical testing. Allele origin: germline. Affected: yes. Observed: 1 heterozygote.
Comment: • The p.Ser22176Phe variant in the TTN gene has been previously reported in 1 individual with non-compaction cardiomyopathy (van Lint et al., 2019), and 1 individual with distal myopathy (Sevy et al., 2016). This variant is also referred to as p.Ser19608Phe in the literature. • This variant has been identified in 8/239,720 chromosomes by the Genome Aggregation Database. • • Computational tools do not predict that the p.Ser22176Phe variant impacts protein function; however, the accuracy of in silico algorithms is limited. • These data were assessed using the ACMG/AMP variant interpretation guidelines. In summary, the significance of the p.Ser22176Phe variant is uncertain. Additional information is needed to resolve the significance of this variant. [ACMG evidence codes used: None] This variant is located in the A-band of the titin protein, a region where the majority of disease-causing variants identified are truncating; however, missense variants in this region have been reported in TTN-related myopathies (Rees et al., 2021). • Computational tools do not predict that the p.Ser22176Phe variant impacts protein function; however, the accuracy of in silico algorithms is limited. • These data were assessed using the ACMG/AMP variant interpretation guidelines. In summary, the significance of the p.Ser22176Phe variant is uncertain. Additional information is needed to resolve the significance of this variant. [ACMG evidence codes used: None]

Labcorp Genetics (formerly Invitae), Labcorp
Classification: Uncertain significance for Dilated cardiomyopathy 1G; Autosomal recessive limb-girdle muscular dystrophy type 2J. Last evaluated: 2021-02-11. Review status: criteria provided, single submitter. Criteria: Invitae Variant Classification Sherloc (09022015). Collection method: clinical testing. Allele origin: germline.
Comment: This sequence change replaces serine with phenylalanine at codon 22176 of the TTN protein (p.Ser22176Phe). There is a large physicochemical difference between serine and phenylalanine. This variant is present in population databases (rs779303152, ExAC 0.006%). This variant has been observed in an individual affected with distal myopathy (PMID: 25783436).¬†This variant is also known as c.58823C>T, p.Ser19608Phe in the literature.¬†ClinVar contains an entry for this variant (Variation ID: 263782). This variant is located in the A band of TTN (PMID: 25589632).¬†Variants in this region may be relevant for cardiac or neuromuscular disorders (PMID:¬†25589632,¬†23975875). Algorithms developed to predict the effect of missense changes on protein structure and function are unavailable for the TTN gene. In summary, the available evidence is currently insufficient to determine the role of this variant in disease. Therefore, it has been classified as a Variant of Uncertain Significance.

Ambry Genetics
Classification: Uncertain significance for Cardiovascular phenotype. Last evaluated: 2013-11-20. Review status: criteria provided, single submitter. Criteria: Ambry Autosomal Dominant and X-Linked criteria (10/2015). Collection method: clinical testing. Allele origin: germline. Observed: 1 variant allele.
Comment: The p.S19608F variant (also known as c.58823C>T) is located in coding exon 264 of the TTN gene. This alteration results from a C to T substitution at nucleotide position 58823. The serine at codon 19608 is replaced by phenylalanine, an amino acid with highly dissimilar properties.This variant was not reported in population-based cohorts in the following databases: Database of Single Nucleotide Polymorphisms (dbSNP), NHLBI Exome Sequencing Project (ESP) and 1000 Genomes Project.This amino acid position is well conserved on sequence alignment.This variant is predicted to be possibly damaging by PolyPhen in silico analyses. Since supporting evidence is limited at this time, the clinical significance of p.S19608F remains unclear.

Clinical Genetics, Academic Medical Center
Classification: Uncertain significance. Review status: no assertion criteria provided. Collection method: clinical testing. Allele origin: germline. Affected: yes. Study: VKGL Data-share Consensus. Not counted in ClinVar's aggregate classification.

Joint Genome Diagnostic Labs from Nijmegen and Maastricht, Radboudumc and MUMC+
Classification: Uncertain significance. Review status: no assertion criteria provided. Collection method: clinical testing. Allele origin: germline. Affected: yes. Study: VKGL Data-share Consensus. Not counted in ClinVar's aggregate classification.

Literature cited by the submitters: PubMed 25783436 (cited by Labcorp Genetics (formerly Invitae), Labcorp); PubMed 25589632 (cited by Labcorp Genetics (formerly Invitae), Labcorp).

NM_001267550.2(TTN):c.66527C>T (p.Ser22176Phe)

Genes: TTN (titin; minus strand), TTN-AS1 (TTN antisense RNA 1; plus strand). Cytogenetic location: 2q31.2.
Variant type: single nucleotide variant.
Coding change: c.66527C>T on transcript NM_001267550.2 (MANE Select); coding-DNA position 66527, C replaced by T.
Protein change: p.Ser22176Phe; replaces serine 22176 with phenylalanine.
Molecular consequence: missense variant.
Genome position (GRCh38, 1-based): chr2:178,581,741, G>A on the plus strand (C>T on the coding strand, the complement: TTN is on the minus strand). VCF-style: chr2-178581741-G-A. GRCh37 (hg19) VCF-style: chr2-179446468-G-A.
Other names: p.Ser22176Phe; c.61604C>T, p.Ser20535Phe (NM_001256850.1); c.39332C>T, p.Ser13111Phe (NM_003319.4); c.58823C>T, p.Ser19608Phe (NM_133378.4); c.39707C>T, p.Ser13236Phe (NM_133432.3); c.39908C>T, p.Ser13303Phe (NM_133437.4); c.66527C>T (NM_001267550.1); short protein forms S19608F, S22176F, S20535F, S13111F, S13303F, S13236F.
Identifiers: ClinVar variation 263782 (VCV000263782.17), dbSNP rs779303152, ClinGen allele CA1991488.
Genomic context (GRCh38, chr2:178,581,741, plus strand): 5'-TTTACTTCAACGAGATAACCAATGATAGGGCTGCCGCCGTCATAGGCTGGCTTGCCCCAA[G>A]ATAGACTCACAGAGCTGCGAGTTGTATCATATACTTTAGGGAAAGCCGGTGGGCCAGGAG-3'
Protein context (NP_001254479.2, residues 22166-22186): YDTTRSSVSL[Ser22176Phe]WGKPAYDGGS